The following is an entry in ClinVar:

NM_004999.4(MYO6):c.3833C>T (p.Ala1278Val)

Gene: MYO6 (myosin VI; plus strand). Cytogenetic location: 6q14.1.
Variant type: single nucleotide variant.
Coding change: c.3833C>T on transcript NM_004999.4 (MANE Select); coding-DNA position 3833, C replaced by T.
Protein change: p.Ala1278Val; replaces alanine 1278 with valine.
Molecular consequence: missense variant. On other transcripts: non-coding transcript variant (1).
Genome position (GRCh38, 1-based): chr6:75,914,987, C>T. VCF-style: chr6-75914987-C-T. GRCh37 (hg19) VCF-style: chr6-76624704-C-T.
Other names: c.3764C>T, p.Ala1255Val (NM_001300899.2); c.3737C>T, p.Ala1246Val (NM_001368136.1); c.3794C>T, p.Ala1265Val (NM_001368137.1); c.3749C>T, p.Ala1250Val (NM_001368138.1); c.3860C>T, p.Ala1287Val (NM_001368865.1); c.3833C>T, p.Ala1278Val (NM_001368866.1); short protein forms A1278V, A1265V, A1246V, A1255V, A1250V, A1287V.
Identifiers: ClinVar variation 45161 (VCV000045161.5), dbSNP rs397517052, ClinGen allele CA135637.

ClinVar aggregate classification (germline): Uncertain significance (1 of 4 stars; one submission).

Allele frequency attached by ClinVar (database versions not stated): gnomAD exomes below 0.00001.
gnomAD v4.1: 1 of 1,613,366 alleles (0.000062%); highest among the groups gnomAD compares: Non-Finnish European, 0.000085%; no homozygotes.

Submission:

Laboratory for Molecular Medicine, Mass General Brigham Personalized Medicine
Classification: Uncertain significance. Last evaluated: 2012-05-14. Review status: criteria provided, single submitter. Criteria: LMM Criteria. Collection method: clinical testing. Allele origin: germline. Observed: 1 variant allele.
Comment: The Ala1278Val variant (MYO6) has not been reported in the literature nor previo usly identified by our laboratory. Computational analyses (biochemical amino aci d properties, conservation, AlignGVGD, PolyPhen2, and SIFT) do not provide stron g support for or against an impact to the protein. Additional information is nee ded to fully assess the clinical significance of the Ala1278Val variant.